The following is an entry in ClinVar:

NM_001267550.2(TTN):c.106567C>A (p.Gln35523Lys)

Genes: TTN (titin; minus strand), TTN-AS1 (TTN antisense RNA 1; plus strand). Cytogenetic location: 2q31.2.
Variant type: single nucleotide variant.
Coding change: c.106567C>A on transcript NM_001267550.2 (MANE Select); coding-DNA position 106567, C replaced by A.
Protein change: p.Gln35523Lys; replaces glutamine 35523 with lysine.
Molecular consequence: missense variant.
Genome position (GRCh38, 1-based): chr2:178,529,184, G>T on the plus strand (C>A on the coding strand, the complement: TTN is on the minus strand). VCF-style: chr2-178529184-G-T. GRCh37 (hg19) VCF-style: chr2-179393911-G-T.
Other names: c.101644C>A, p.Gln33882Lys (NM_001256850.1); c.79372C>A, p.Gln26458Lys (NM_003319.4); c.98863C>A, p.Gln32955Lys (NM_133378.4); c.79747C>A, p.Gln26583Lys (NM_133432.3); c.79948C>A, p.Gln26650Lys (NM_133437.4); short protein forms Q35523K, Q26458K, Q26583K, Q26650K, Q32955K, Q33882K.
Identifiers: ClinVar variation 1375266 (VCV001375266.6), dbSNP rs1019567796, ClinGen allele CA60950897.

ClinVar aggregate classification (germline): Uncertain significance (1 of 4 stars; one submission).

Conditions:
Dilated cardiomyopathy 1G (CMD1G). Identifiers: Orphanet 154, MedGen C1858763, MONDO:0011400, OMIM 604145.
Autosomal recessive limb-girdle muscular dystrophy type 2J (LGMDR10). Also called: MUSCULAR DYSTROPHY, LIMB-GIRDLE, AUTOSOMAL RECESSIVE 10; Limb-girdle muscular dystrophy, type 2J. Identifiers: Orphanet 140922, MedGen C1837342, MONDO:0012127, OMIM 608807.

Allele frequency attached by ClinVar (database versions not stated): TOPMed below 0.00001.

Submission:

Labcorp Genetics (formerly Invitae), Labcorp
Classification: Uncertain significance for Dilated cardiomyopathy 1G; Autosomal recessive limb-girdle muscular dystrophy type 2J. Last evaluated: 2021-08-15. Review status: criteria provided, single submitter. Criteria: Invitae Variant Classification Sherloc (09022015). Collection method: clinical testing. Allele origin: germline.
Comment: This sequence change replaces glutamine with lysine at codon 35523 of the TTN protein (p.Gln35523Lys). There is a small physicochemical difference between glutamine and lysine. This variant is not present in population databases (ExAC no frequency). This variant has not been reported in the literature in individuals affected with TTN-related conditions. Experimental studies and prediction algorithms are not available or were not evaluated, and the functional significance of this variant is currently unknown. In summary, the available evidence is currently insufficient to determine the role of this variant in disease. Therefore, it has been classified as a Variant of Uncertain Significance. This variant is located in the M band of TTN (PMID: 25589632). Variants in this region may be relevant for neuromuscular disorders, but have not been definitively shown to cause cardiomyopathy (PMID: 23975875).

Literature cited by the submitters: PubMed 25589632; PubMed 23975875.